The following is an entry in ClinVar:

ClinVar aggregate classification (germline): Pathogenic (1 of 4 stars; one submission).

Conditions:
Giant axonal neuropathy 1 (GAN1). Also called: GIANT AXONAL NEUROPATHY 1, AUTOSOMAL RECESSIVE; GAN-Related Neurodegeneration. Identifiers: Orphanet 643, MedGen C1850386, MONDO:0009749, OMIM 256850.

Submission:

Labcorp Genetics (formerly Invitae), Labcorp
Classification: Pathogenic for Giant axonal neuropathy 1. Last evaluated: 2016-11-12. Review status: criteria provided, single submitter. Criteria: Invitae Variant Classification Sherloc (09022015). Collection method: clinical testing. Allele origin: germline.
Comment: For these reasons, this variant has been classified as Pathogenic. This sequence change deletes one nucleotide in exon 7 of the GAN mRNA (c.1157delA), causing a frameshift at codon 386. This creates a premature translational stop signal (p.Lys386Argfs*3) and is expected to result in an absent or disrupted protein product. While this particular variant has not been reported in the literature, loss-of-function variants in GAN are known to be pathogenic (PMID: 11062483).

Literature cited by the submitters: PubMed 11062483.

NM_022041.4(GAN):c.1157del (p.Lys386fs)

Gene: GAN (gigaxonin; plus strand). Cytogenetic location: 16q23.2.
Variant type: Deletion.
Coding change: c.1157del on transcript NM_022041.4 (MANE Select); coding-DNA position 1157, one base deleted (A; older notation c.1157delA).
Protein change: p.Lys386fs; shifts the reading frame from lysine 386.
Molecular consequence: frameshift variant.
Genome position (GRCh38, 1-based): chr16:81,363,864, A deleted; the last of 4 consecutive A bases (chr16:81,363,861-81,363,864); deleting any one gives the same sequence. VCF-style (leftmost placement, unchanged base first): chr16-81363860-GA-G. GRCh37 (hg19) VCF-style: chr16-81397465-GA-G.
Other names: c.1157delA (NM_022041.3); c.518del, p.Lys173fs (NM_001377486.1); short protein forms K386fs, K173fs.
Identifiers: ClinVar variation 465385 (VCV000465385.6), dbSNP rs1555511861, ClinGen allele CA658658505.